The following is an entry in ClinVar:

NM_001126108.2(SLC12A3):c.1175C>T (p.Thr392Ile)

Gene: SLC12A3 (solute carrier family 12 member 3; plus strand). Cytogenetic location: 16q13.
Variant type: single nucleotide variant.
Coding change: c.1175C>T on transcript NM_001126108.2 (MANE Select); coding-DNA position 1175, C replaced by T.
Protein change: p.Thr392Ile; replaces threonine 392 with isoleucine.
Molecular consequence: missense variant.
Genome position (GRCh38, 1-based): chr16:56,878,156, C>T. VCF-style: chr16-56878156-C-T. GRCh37 (hg19) VCF-style: chr16-56912068-C-T.
Other names: c.1175C>T, p.Thr392Ile (NM_000339.3); c.1172C>T, p.Thr391Ile (NM_001126107.2); short protein forms T391I, T392I.
Identifiers: ClinVar variation 1069509 (VCV001069509.14), dbSNP rs748575829, ClinGen allele CA8069364.

ClinVar aggregate classification (germline): Pathogenic/Likely pathogenic. Review status: criteria provided, multiple submitters, no conflicts (2 of 4 stars). 5 submissions from 5 submitters: Pathogenic (2); Likely pathogenic (3). Last evaluated 2026-01-13.

Conditions:
Familial hypokalemia-hypomagnesemia (GTLMNS). Also called: HYPOMAGNESEMIA-HYPOKALEMIA, PRIMARY RENOTUBULAR, WITH HYPOCALCIURIA; POTASSIUM AND MAGNESIUM DEPLETION; gitelman syndrome. Identifiers: Orphanet 358, MedGen C0268450, MONDO:0009904, OMIM 263800.
Renal tubulopathies.

Allele frequency attached by ClinVar (database versions not stated): TOPMed below 0.00001; ExAC 0.00002; gnomAD exomes 0.00001 and 0.00002.
gnomAD v4.1: 12 of 1,611,416 alleles (0.00074%); highest among the groups gnomAD compares: East Asian, 0.0045%; no homozygotes.

Submissions (5):

Genetics Laboratory, Great Ormond Street Hospital NHS Foundation Trust, North Thames Genomic Laboratory Hub
Classification: Likely pathogenic for Renal tubulopathies. Last evaluated: 2026-01-13. Review status: criteria provided, single submitter. Criteria: ACGS Best Practice Guidelines for Variant Classification in Rare Disease 2024 v1.2. Collection method: clinical testing. Allele origin: germline. Affected: yes.
Comment: PM2_moderate, PS3_supporting, PM3_moderate, PM6_supporting

Natera, Inc.
Classification: Likely pathogenic for Gitelman syndrome. Last evaluated: 2025-07-01. Review status: criteria provided, single submitter. Criteria: Natera Variant Classification Schema (03/2026). Collection method: clinical testing. Allele origin: germline.
Comment: The c.1175C>T variant in SLC12A3 is a missense variant predicted to cause substitution of threonine to isoleucine at amino acid 392. This variant is rare in the general population with a frequency below the threshold expected for the associated phenotype(s). This variant has been observed in one or more individuals affected with the associated recessive disease, as either homozygous or compound heterozygous with a second variant (PMID: 25422309, 20675610, 17699451). Given the available evidence, this variant is classified as Likely Pathogenic.

Revvity Omics, Revvity
Classification: Pathogenic for Familial hypokalemia-hypomagnesemia. Last evaluated: 2025-03-07. Review status: criteria provided, single submitter. Criteria: ACMG Guidelines, 2015. Collection method: clinical testing. Allele origin: germline.

Labcorp Genetics (formerly Invitae), Labcorp
Classification: Pathogenic. Last evaluated: 2023-08-21. Review status: criteria provided, single submitter. Criteria: Invitae Variant Classification Sherloc (09022015). Collection method: clinical testing. Allele origin: germline.
Comment: This sequence change replaces threonine, which is neutral and polar, with isoleucine, which is neutral and non-polar, at codon 392 of the SLC12A3 protein (p.Thr392Ile). This variant disrupts the p.Thr392 amino acid residue in SLC12A3. Other variant(s) that disrupt this residue have been observed in individuals with SLC12A3-related conditions (PMID: 26770037), which suggests that this may be a clinically significant amino acid residue. Experimental studies have shown that this missense change affects SLC12A3 function (PMID: 22009145). Advanced modeling of protein sequence and biophysical properties (such as structural, functional, and spatial information, amino acid conservation, physicochemical variation, residue mobility, and thermodynamic stability) performed at Invitae indicates that this missense variant is expected to disrupt SLC12A3 protein function. ClinVar contains an entry for this variant (Variation ID: 1069509). This missense change has been observed in individual(s) with Gitelman syndrome (PMID: 17699451, 20552229, 20675610, 22009145). In at least one individual the data is consistent with being in trans (on the opposite chromosome) from a pathogenic variant. This variant is present in population databases (rs748575829, gnomAD 0.01%). For these reasons, this variant has been classified as Pathogenic.

European Hospital Georges Pompidou Genetics Department, Assistance Publique - Hôpitaux de Paris AP-HP
Classification: Likely pathogenic for Familial hypokalemia-hypomagnesemia. Last evaluated: 2022-04-27. Review status: criteria provided, single submitter. Criteria: ACMG Guidelines, 2015. Collection method: clinical testing. Allele origin: germline. Affected: yes.
Comment: ACMG criteria used:PS4 PM1 PM2 PP5

Literature cited by the submitters: PubMed 25422309 (cited by Natera, Inc.); PubMed 20675610 (cited by Natera, Inc. and Labcorp Genetics (formerly Invitae), Labcorp); PubMed 17699451 (cited by Natera, Inc. and Labcorp Genetics (formerly Invitae), Labcorp); PubMed 26770037 (cited by Labcorp Genetics (formerly Invitae), Labcorp); PubMed 22009145 (cited by Labcorp Genetics (formerly Invitae), Labcorp); PubMed 20552229 (cited by Labcorp Genetics (formerly Invitae), Labcorp).